The following is an entry in ClinVar:

NM_000069.3(CACNA1S):c.3115G>A (p.Val1039Met)

Gene: CACNA1S (calcium voltage-gated channel subunit alpha1 S; minus strand). Cytogenetic location: 1q32.1.
Variant type: single nucleotide variant.
Coding change: c.3115G>A on transcript NM_000069.3 (MANE Select); coding-DNA position 3115, G replaced by A.
Protein change: p.Val1039Met; replaces valine 1039 with methionine.
Molecular consequence: missense variant.
Genome position (GRCh38, 1-based): chr1:201,061,407, C>T on the plus strand (G>A on the coding strand, the complement: CACNA1S is on the minus strand). VCF-style: chr1-201061407-C-T. GRCh37 (hg19) VCF-style: chr1-201030535-C-T.
Other names: short protein forms V1039M.
Identifiers: ClinVar variation 3386336 (VCV003386336.1).

ClinVar aggregate classification (germline): Uncertain significance (1 of 4 stars; one submission).

Conditions:
Malignant hyperthermia, susceptibility to, 5 (MHS5). Also called: CACNA1S-Related Malignant Hyperthermia Susceptibility. Identifiers: Orphanet 423, MedGen C1866077, MONDO:0011163, OMIM 601887.

gnomAD v4.1: 4 of 1,614,078 alleles (0.00025%); highest among the groups gnomAD compares: Non-Finnish European, 0.00034%; no homozygotes.

Submission:

All of Us Research Program, National Institutes of Health
Classification: Uncertain significance for Malignant hyperthermia, susceptibility to, 5. Last evaluated: 2024-03-28. Review status: criteria provided, single submitter. Criteria: ACMG Guidelines, 2015. Collection method: clinical testing. Allele origin: germline. Inheritance: Autosomal dominant inheritance. Observed: 1 variant allele, 1 heterozygote.
Comment: This study involves interpretation of variants in research participants for the purpose of population health screening. Participant phenotype was not available at the time of variant classification. Additional details can be found in publication PMID: 35346344, PMCID: PMC8962531